The following is an entry in ClinVar:

ClinVar aggregate classification (germline): Conflicting classifications of pathogenicity. Review status: criteria provided, conflicting classifications (1 of 4 stars). 2 submissions from 2 submitters: Uncertain significance (1); Likely benign (1). Last evaluated 2026-07-30.

Conditions:
Hereditary cancer-predisposing syndrome. Also called: Neoplastic Syndromes, Hereditary; Hereditary neoplastic syndrome; Hereditary Cancer Syndrome; Tumor predisposition. Identifiers: Orphanet 140162, MedGen C0027672, MeSH D009386, MONDO:0015356.
Renal cell carcinoma. Identifiers: Orphanet 217071, MedGen C0007134, MeSH D002292, MONDO:0005086, HP:0005584.

Submissions (2):

Ambry Genetics
Classification: Likely benign for Hereditary cancer-predisposing syndrome. Last evaluated: 2026-07-30. Review status: criteria provided, single submitter. Criteria: Ambry Variant Classification Scheme 2023. Collection method: clinical testing. Allele origin: germline.

Labcorp Genetics (formerly Invitae), Labcorp
Classification: Uncertain significance for Renal cell carcinoma. Last evaluated: 2026-01-17. Review status: criteria provided, single submitter. Criteria: Invitae Variant Classification Sherloc (09022015). Collection method: clinical testing. Allele origin: germline.
Comment: This sequence change replaces isoleucine, which is neutral and non-polar, with methionine, which is neutral and non-polar, at codon 639 of the MET protein (p.Ile639Met). This variant is not present in population databases (gnomAD no frequency). This variant has not been reported in the literature in individuals affected with MET-related conditions. ClinVar contains an entry for this variant (Variation ID: 485781). Invitae Evidence Modeling of protein sequence and biophysical properties (such as structural, functional, and spatial information, amino acid conservation, physicochemical variation, residue mobility, and thermodynamic stability) indicates that this missense variant is not expected to disrupt MET protein function with a negative predictive value of 80%. In summary, the available evidence is currently insufficient to determine the role of this variant in disease. Therefore, it has been classified as a Variant of Uncertain Significance.

NM_000245.4(MET):c.1917T>G (p.Ile639Met)

Gene: MET (MET proto-oncogene, receptor tyrosine kinase; plus strand). Cytogenetic location: 7q31.2.
Variant type: single nucleotide variant.
Coding change: c.1917T>G on transcript NM_000245.4 (MANE Select); coding-DNA position 1917, T replaced by G.
Protein change: p.Ile639Met; replaces isoleucine 639 with methionine.
Molecular consequence: missense variant.
Genome position (GRCh38, 1-based): chr7:116,757,491, T>G. VCF-style: chr7-116757491-T-G. GRCh37 (hg19) VCF-style: chr7-116397545-T-G.
Other names: c.1917T>G, p.Ile639Met (NM_001127500.3, NM_001324401.3); c.627T>G, p.Ile209Met (NM_001324402.2); short protein forms I639M, I209M.
Identifiers: ClinVar variation 485781 (VCV000485781.8), dbSNP rs1554395373, ClinGen allele CA368979387.